The following is an entry in ClinVar:

ClinVar aggregate classification (germline): Pathogenic. Review status: criteria provided, multiple submitters, no conflicts (2 of 4 stars). 2 submissions from 2 submitters: Pathogenic (2). Last evaluated 2022-05-12.

Conditions:
Hereditary nonpolyposis colorectal neoplasms. Identifiers: MedGen C0009405, MeSH D003123.
Hereditary cancer-predisposing syndrome. Also called: Hereditary Cancer Syndrome; Neoplastic Syndromes, Hereditary; Tumor predisposition; Hereditary neoplastic syndrome. Identifiers: Orphanet 140162, MedGen C0027672, MeSH D009386, MONDO:0015356.

Submissions (2):

Labcorp Genetics (formerly Invitae), Labcorp
Classification: Pathogenic for Hereditary nonpolyposis colorectal neoplasms. Last evaluated: 2022-05-12. Review status: criteria provided, single submitter. Criteria: Invitae Variant Classification Sherloc (09022015). Collection method: clinical testing. Allele origin: germline.
Comment: This variant has not been reported in the literature in individuals affected with MSH6-related conditions. For these reasons, this variant has been classified as Pathogenic. This sequence change creates a premature translational stop signal (p.Glu171*) in the MSH6 gene. It is expected to result in an absent or disrupted protein product. Loss-of-function variants in MSH6 are known to be pathogenic (PMID: 18269114, 24362816). This variant is not present in population databases (gnomAD no frequency).

Ambry Genetics
Classification: Pathogenic for Hereditary cancer-predisposing syndrome. Last evaluated: 2021-09-17. Review status: criteria provided, single submitter. Criteria: Ambry Variant Classification Scheme 2023. Collection method: clinical testing. Allele origin: germline.
Comment: The c.510dupT variant, located in coding exon 3 of the MSH6 gene, results from a duplication of T at nucleotide position 510, causing a translational frameshift with a predicted alternate stop codon (p.E171*). This alteration is expected to result in loss of function by premature protein truncation or nonsense-mediated mRNA decay. As such, this alteration is interpreted as a disease-causing mutation.

Literature cited by the submitters: PubMed 18269114 (cited by Labcorp Genetics (formerly Invitae), Labcorp); PubMed 24362816 (cited by Labcorp Genetics (formerly Invitae), Labcorp).

NM_000179.3(MSH6):c.510dup (p.Glu171Ter)

Gene: MSH6 (mutS homolog 6; plus strand). Cytogenetic location: 2p16.3.
Variant type: Duplication.
Coding change: c.510dup on transcript NM_000179.3 (MANE Select); coding-DNA position 510, one base duplicated (T; older notation c.510dupT).
Protein change: p.Glu171Ter; replaces glutamic acid 171 with a stop codon.
Molecular consequence: nonsense. On other transcripts: 5 prime UTR variant (1), frameshift variant (27), intron variant (2).
Genome position (GRCh38, 1-based): chr2:47,795,946, T duplicated. VCF-style (leftmost placement, unchanged base first): chr2-47795945-C-CT. GRCh37 (hg19) VCF-style: chr2-48023084-C-CT.
Other names: c.-393dup (NM_001281494.2); c.606dup, p.Glu203Terfs (NM_001406795.1, NM_001406802.1); c.510dup, p.Glu171Terfs (NM_001406796.1, NM_001406798.1, NM_001406800.1 and 5 more transcripts); c.213dup, p.Glu72Terfs (NM_001406797.1, NM_001406801.1, NM_001406805.1 and 10 more transcripts); c.-16dup (NM_001406799.1, NM_001406806.1, NM_001406807.1); c.432dup, p.Glu145Terfs (NM_001406804.1); c.516dup, p.Glu173Terfs (NM_001406813.1); c.-485dup (NM_001406814.1); and 4 more; short protein forms E171*.
Identifiers: ClinVar variation 1745394 (VCV001745394.7), dbSNP rs2530517848, ClinGen allele CA2580066990.